The following is an entry in ClinVar:

ClinVar aggregate classification (germline): Benign/Likely benign. Review status: criteria provided, multiple submitters, no conflicts (2 of 4 stars). 3 submissions from 3 submitters: Benign (1); Likely benign (2). Last evaluated 2025-09-21.

Conditions:
Tuberous sclerosis 2 (TSC2). Identifiers: Orphanet 805, MedGen C1860707, MONDO:0013199, OMIM 613254.
Hereditary cancer-predisposing syndrome. Also called: Hereditary neoplastic syndrome; Neoplastic Syndromes, Hereditary; Tumor predisposition; Hereditary Cancer Syndrome. Identifiers: Orphanet 140162, MedGen C0027672, MeSH D009386, MONDO:0015356.

Submissions (3):

Labcorp Genetics (formerly Invitae), Labcorp
Classification: Likely benign for Tuberous sclerosis 2. Last evaluated: 2025-09-21. Review status: criteria provided, single submitter. Criteria: Invitae Variant Classification Sherloc (09022015). Collection method: clinical testing. Allele origin: germline.

Myriad Genetics, Inc.
Classification: Benign for Tuberous sclerosis 2. Last evaluated: 2025-04-30. Review status: criteria provided, single submitter. Criteria: Myriad Autosomal Dominant, Autosomal Recessive and X-Linked Classification Criteria (2023). Collection method: clinical testing. Allele origin: unknown.
Comment: This variant is considered benign. This variant is a silent/synonymous amino acid change and it is not expected to impact splicing.

Ambry Genetics
Classification: Likely benign for Hereditary cancer-predisposing syndrome. Last evaluated: 2024-12-15. Review status: criteria provided, single submitter. Criteria: Ambry Variant Classification Scheme 2023. Collection method: clinical testing. Allele origin: germline.

NM_000548.5(TSC2):c.27A>G (p.Ser9=)

Gene: TSC2 (TSC complex subunit 2; plus strand). Cytogenetic location: 16p13.3.
Variant type: single nucleotide variant.
Coding change: c.27A>G on transcript NM_000548.5 (MANE Select); coding-DNA position 27, A replaced by G.
Protein change: p.Ser9=; no amino-acid change (serine 9 retained).
Molecular consequence: synonymous variant. On other transcripts: 5 prime UTR variant (1), intron variant (1).
Genome position (GRCh38, 1-based): chr16:2,048,642, A>G. VCF-style: chr16-2048642-A-G. GRCh37 (hg19) VCF-style: chr16-2098643-A-G.
Other names: c.27A>G, p.Ser9= (NM_001077183.3, NM_001114382.3, NM_001318827.2 and 4 more transcripts); c.-200A>G (NM_001318831.2); c.60A>G, p.Ser20= (NM_001318832.2); c.-10+577A>G (NM_001318829.2).
Identifiers: ClinVar variation 467971 (VCV000467971.12), dbSNP rs1555494555, ClinGen allele CA492954118.